The following is an entry in ClinVar:

ClinVar aggregate classification (germline): Uncertain significance (1 of 4 stars; one submission).

Conditions:
Fanconi anemia (FA). Also called: Fanconi's anemia. Identifiers: Orphanet 84, MedGen C0015625, MeSH D005199, MONDO:0019391.

Allele frequency attached by ClinVar (database versions not stated): gnomAD 0.00001; TOPMed 0.00001; ExAC 0.00001.

Submission:

Labcorp Genetics (formerly Invitae), Labcorp
Classification: Uncertain significance for Fanconi anemia. Last evaluated: 2022-02-03. Review status: criteria provided, single submitter. Criteria: Invitae Variant Classification Sherloc (09022015). Collection method: clinical testing. Allele origin: germline.
Comment: This sequence change replaces glutamic acid, which is acidic and polar, with lysine, which is basic and polar, at codon 309 of the FANCM protein (p.Glu309Lys). This variant is present in population databases (rs778377621, gnomAD 0.006%). In summary, the available evidence is currently insufficient to determine the role of this variant in disease. Therefore, it has been classified as a Variant of Uncertain Significance. Algorithms developed to predict the effect of missense changes on protein structure and function (SIFT, PolyPhen-2, Align-GVGD) all suggest that this variant is likely to be tolerated. ClinVar contains an entry for this variant (Variation ID: 649017). This variant has not been reported in the literature in individuals affected with FANCM-related conditions.

NM_020937.4(FANCM):c.925G>A (p.Glu309Lys)

Gene: FANCM (FA complementation group M; plus strand). Cytogenetic location: 14q21.2.
Variant type: single nucleotide variant.
Coding change: c.925G>A on transcript NM_020937.4 (MANE Select); coding-DNA position 925, G replaced by A.
Protein change: p.Glu309Lys; replaces glutamic acid 309 with lysine.
Molecular consequence: missense variant.
Genome position (GRCh38, 1-based): chr14:45,151,403, G>A. VCF-style: chr14-45151403-G-A. GRCh37 (hg19) VCF-style: chr14-45620606-G-A.
Other names: c.847G>A, p.Glu283Lys (NM_001308133.2); c.925G>A, p.Glu309Lys (NM_001308134.2); short protein forms E283K, E309K.
Identifiers: ClinVar variation 649017 (VCV000649017.9), dbSNP rs778377621, ClinGen allele CA7168889.
Genomic context (GRCh38, chr14:45,151,403, plus strand): 5'-ACTTGAAAAAGGACTTTAGAGCAAGCTTAAACTAGATTGCTTTTAAATTTGCAGATTTTG[G>A]AATCATTTGCTCGTTCTTTGATTCAGAGGAATGTTTTGATGAGAAGGGATATCCCAAATC-3'
Protein context (NP_065988.1, residues 299-319): AIQKTYIQIL[Glu309Lys]SFARSLIQRN